The following is an entry in ClinVar:

ClinVar aggregate classification (germline): Uncertain significance (1 of 4 stars; one submission).

Submission:

Labcorp Genetics (formerly Invitae), Labcorp
Classification: Uncertain significance. Last evaluated: 2025-08-26. Review status: criteria provided, single submitter. Criteria: Invitae Variant Classification Sherloc (09022015). Collection method: clinical testing. Allele origin: germline.
Comment: This sequence change replaces glycine, which is neutral and non-polar, with valine, which is neutral and non-polar, at codon 410 of the HNF1A protein (p.Gly410Val). This variant is not present in population databases (gnomAD no frequency). This variant has not been reported in the literature in individuals affected with HNF1A-related conditions. Invitae Evidence Modeling of protein sequence and biophysical properties (such as structural, functional, and spatial information, amino acid conservation, physicochemical variation, residue mobility, and thermodynamic stability) indicates that this missense variant is not expected to disrupt HNF1A protein function with a negative predictive value of 80%. In summary, the available evidence is currently insufficient to determine the role of this variant in disease. Therefore, it has been classified as a Variant of Uncertain Significance.

NM_000545.8(HNF1A):c.1229G>T (p.Gly410Val)

Gene: HNF1A (HNF1 homeobox A; plus strand). Cytogenetic location: 12q24.31.
Variant type: single nucleotide variant.
Coding change: c.1229G>T on transcript NM_000545.8 (MANE Select); coding-DNA position 1229, G replaced by T.
Protein change: p.Gly410Val; replaces glycine 410 with valine.
Molecular consequence: missense variant.
Genome position (GRCh38, 1-based): chr12:120,996,662, G>T. VCF-style: chr12-120996662-G-T. GRCh37 (hg19) VCF-style: chr12-121434465-G-T.
Other names: c.1229G>T, p.Gly410Val (NM_001306179.2, NM_001406915.1); short protein forms G410V.
Identifiers: ClinVar variation 4742511 (VCV004742511.1).